The following is an entry in ClinVar:

ClinVar aggregate classification (germline): Uncertain significance (1 of 4 stars; one submission).

Submission:

Labcorp Genetics (formerly Invitae), Labcorp
Classification: Uncertain significance. Last evaluated: 2022-06-27. Review status: criteria provided, single submitter. Criteria: Invitae Variant Classification Sherloc (09022015). Collection method: clinical testing. Allele origin: germline.
Comment: In summary, the available evidence is currently insufficient to determine the role of this variant in disease. Therefore, it has been classified as a Variant of Uncertain Significance. Algorithms developed to predict the effect of missense changes on protein structure and function (SIFT, PolyPhen-2, Align-GVGD) all suggest that this variant is likely to be disruptive. ClinVar contains an entry for this variant (Variation ID: 960187). This variant has not been reported in the literature in individuals affected with PDE6A-related conditions. This variant is not present in population databases (gnomAD no frequency). This sequence change replaces histidine, which is basic and polar, with arginine, which is basic and polar, at codon 563 of the PDE6A protein (p.His563Arg).

NM_000440.3(PDE6A):c.1688A>G (p.His563Arg)

Gene: PDE6A (phosphodiesterase 6A; minus strand). Cytogenetic location: 5q32.
Variant type: single nucleotide variant.
Coding change: c.1688A>G on transcript NM_000440.3 (MANE Select); coding-DNA position 1688, A replaced by G.
Protein change: p.His563Arg; replaces histidine 563 with arginine.
Molecular consequence: missense variant.
Genome position (GRCh38, 1-based): chr5:149,895,223, T>C on the plus strand (A>G on the coding strand, the complement: PDE6A is on the minus strand). VCF-style: chr5-149895223-T-C. GRCh37 (hg19) VCF-style: chr5-149274786-T-C.
Other names: short protein forms H563R.
Identifiers: ClinVar variation 960187 (VCV000960187.7), dbSNP rs1752693727, ClinGen allele CA361695117.
Genomic context (GRCh38, chr5:149,895,223, plus strand): 5'-CCCCACCGGCCCCGCCATACCACCAGCAGGGAGAACATGGTCTGCCCCACGTTGAAGCCG[T>C]GCCGCCAGTTGTGGTAGGTGATCTTGCGGTAGCCCTTACTCAGGGAGTACATGAACCGCA-3'
Protein context (NP_000431.2, residues 553-573): YRKITYHNWR[His563Arg]GFNVGQTMFS